The following is an entry in ClinVar:

NM_006182.4(DDR2):c.716T>C (p.Leu239Pro)

Gene: DDR2 (discoidin domain receptor tyrosine kinase 2; plus strand). Cytogenetic location: 1q23.3.
Variant type: single nucleotide variant.
Coding change: c.716T>C on transcript NM_006182.4 (MANE Select); coding-DNA position 716, T replaced by C.
Protein change: p.Leu239Pro; replaces leucine 239 with proline.
Molecular consequence: missense variant.
Genome position (GRCh38, 1-based): chr1:162,759,840, T>C. VCF-style: chr1-162759840-T-C. GRCh37 (hg19) VCF-style: chr1-162729630-T-C.
Other names: c.716T>C, p.Leu239Pro (NM_001014796.3, NM_001354982.2, NM_001354983.2 and 1 more transcripts); short protein forms L239P.
Identifiers: ClinVar variation 293374 (VCV000293374.9), dbSNP rs578015216, ClinGen allele CA1217327.
Genomic context (GRCh38, chr1:162,759,840, plus strand): 5'-CTCCTGGCCTGAGCAGCATGACAGAAGGGCTAGGCCAATTGACCGATGGTGTGTCTGGCC[T>C]GGACGATTTCACCCAGACCCATGAATACCACGTGTGGCCCGGCTATGACTATGTGGGCTG-3'
Protein context (NP_006173.2, residues 229-249): LGQLTDGVSG[Leu239Pro]DDFTQTHEYH

ClinVar aggregate classification (germline): Uncertain significance. Review status: criteria provided, multiple submitters, no conflicts (2 of 4 stars). 2 submissions from 2 submitters: Uncertain significance (2). Last evaluated 2021-08-30.

Conditions:
Spondyloepimetaphyseal dysplasia-short limb-abnormal calcification syndrome (SMED-SL). Also called: SMED, TYPE II; SMED-SL/AC; SMED short limb-hand type; SMED type 2; Spondylometaepiphyseal dysplasia short limb-abnormal calcification type; Smed short limb-abnormal calcification type. Identifiers: Orphanet 93358, MedGen C1849011, MONDO:0010077, OMIM 271665.

Allele frequency attached by ClinVar (database versions not stated): ExAC 0.00002; gnomAD 0.00003 and 0.00004; gnomAD exomes 0.00003; TOPMed 0.00004.

Submissions (2):

Labcorp Genetics (formerly Invitae), Labcorp
Classification: Uncertain significance. Last evaluated: 2021-08-30. Review status: criteria provided, single submitter. Criteria: Invitae Variant Classification Sherloc (09022015). Collection method: clinical testing. Allele origin: germline.
Comment: This sequence change replaces leucine with proline at codon 239 of the DDR2 protein (p.Leu239Pro). The leucine residue is highly conserved and there is a moderate physicochemical difference between leucine and proline. This variant is present in population databases (rs578015216, ExAC 0.003%). This variant has not been reported in the literature in individuals affected with DDR2-related conditions. ClinVar contains an entry for this variant (Variation ID: 293374). Algorithms developed to predict the effect of missense changes on protein structure and function (SIFT, PolyPhen-2, Align-GVGD) all suggest that this variant is likely to be disruptive. In summary, the available evidence is currently insufficient to determine the role of this variant in disease. Therefore, it has been classified as a Variant of Uncertain Significance.

Illumina Laboratory Services, Illumina
Classification: Uncertain significance for Spondyloepimetaphyseal dysplasia-short limb-abnormal calcification syndrome. Last evaluated: 2018-01-13. Review status: criteria provided, single submitter. Criteria: ICSL Variant Classification Criteria 13 December 2019. Collection method: clinical testing. Allele origin: germline.